The following is an entry in ClinVar:

ClinVar aggregate classification (germline): Pathogenic (1 of 4 stars; one submission).

Submission:

Labcorp Genetics (formerly Invitae), Labcorp
Classification: Pathogenic. Last evaluated: 2023-07-03. Review status: criteria provided, single submitter. Criteria: Invitae Variant Classification Sherloc (09022015). Collection method: clinical testing. Allele origin: germline.
Comment: This sequence change creates a premature translational stop signal (p.Glu784Argfs*27) in the ERCC6 gene. It is expected to result in an absent or disrupted protein product. Loss-of-function variants in ERCC6 are known to be pathogenic (PMID: 18628313, 29572252). This variant is not present in population databases (gnomAD no frequency). This variant has not been reported in the literature in individuals affected with ERCC6-related conditions. For these reasons, this variant has been classified as Pathogenic.

Literature cited by the submitters: PubMed 18628313; PubMed 29572252.

NM_000124.4(ERCC6):c.2349dup (p.Glu784fs)

Gene: ERCC6 (ERCC excision repair 6, chromatin remodeling factor; minus strand). Cytogenetic location: 10q11.23.
Variant type: Duplication.
Coding change: c.2349dup on transcript NM_000124.4 (MANE Select); coding-DNA position 2349, one base duplicated (A; older notation c.2349dupA).
Protein change: p.Glu784fs; shifts the reading frame from glutamic acid 784.
Molecular consequence: frameshift variant.
Genome position (GRCh38, 1-based): chr10:49,476,248, T duplicated on the plus strand (A on the coding strand, the reverse complement: ERCC6 is on the minus strand); the first of 3 consecutive T bases (chr10:49,476,248-49,476,250); duplicating any one gives the same sequence. VCF-style (leftmost placement, unchanged base first): chr10-49476247-C-CT. GRCh37 (hg19) VCF-style: chr10-50684293-C-CT.
Other names: c.2349dup, p.Glu784fs (NM_001346440.2); short protein forms E784fs.
Identifiers: ClinVar variation 2735157 (VCV002735157.3), dbSNP rs2495990477, ClinGen allele CA2697558379.